The following is an entry in ClinVar:

NM_001368894.2(PAX6):c.1061del (p.Asn354fs)

Gene: PAX6 (paired box 6; minus strand). Cytogenetic location: 11p13.
Variant type: Deletion.
Coding change: c.1061del on transcript NM_001368894.2 (MANE Select); coding-DNA position 1061, one base deleted (A; older notation c.1061delA).
Protein change: p.Asn354fs; shifts the reading frame from asparagine 354.
Molecular consequence: frameshift variant. On other transcripts: non-coding transcript variant (2).
Genome position (GRCh38, 1-based): chr11:31,793,451, T deleted on the plus strand (A on the coding strand, the reverse complement: PAX6 is on the minus strand); the first of 2 consecutive T bases (chr11:31,793,451-31,793,452); deleting either gives the same sequence. VCF-style (leftmost placement, unchanged base first): chr11-31793450-GT-G. GRCh37 (hg19) VCF-style: chr11-31814998-GT-G.
Other names: c.1019del, p.Asn340fs (NM_000280.6, NM_001127612.3, NM_001258464.2 and 10 more transcripts); c.1061del, p.Asn354fs (NM_001258462.3, NM_001258463.2, NM_001310158.2 and 6 more transcripts); c.611del, p.Asn204fs (NM_001310160.2, NM_001310161.3, NM_001368899.2 and 11 more transcripts); c.1262del, p.Asn421fs (NM_001368910.2); c.1064del, p.Asn355fs (NM_001368911.2); c.1136del, p.Asn379fs (NM_001368918.2, NM_001368919.2); c.1094del, p.Asn365fs (NM_001368920.2); c.860del, p.Asn287fs (NM_001368921.2, NM_001368922.2, NM_001368923.2 and 4 more transcripts); and 2 more; short protein forms N273fs, N355fs, N139fs, N204fs, N287fs, N340fs, N379fs, N421fs.
Identifiers: ClinVar variation 1389199 (VCV001389199.7), dbSNP rs2134574071, ClinGen allele CA2573146284.
Genomic context (GRCh38, chr11:31,793,450, plus strand): 5'-CACTTCTCTGGGGCCTGGGTTATGCAGGCCACCACCAGCCGCACTTACTTGCATAGGCAG[GT>G]TATTTGCCATGGTGAAGCTGGGCATAGGCGGCAGAGCGCTGTAGGTGTTTGTGAGGGCTG-3'

ClinVar aggregate classification (germline): Pathogenic (1 of 4 stars; one submission).

Conditions:
Aniridia 1 (AN1). Identifiers: Orphanet 250923, MedGen C0344542, MONDO:0024507, OMIM 106210.
Irido-corneo-trabecular dysgenesis (ASGD5). Also called: ANTERIOR SEGMENT DYSGENESIS 5. Identifiers: Orphanet 708, MedGen C0344559, MONDO:0011414, OMIM 604229, HP:0000659.

Submission:

Labcorp Genetics (formerly Invitae), Labcorp
Classification: Pathogenic for Aniridia 1; Irido-corneo-trabecular dysgenesis. Last evaluated: 2022-08-15. Review status: criteria provided, single submitter. Criteria: Invitae Variant Classification Sherloc (09022015). Collection method: clinical testing. Allele origin: germline.
Comment: For these reasons, this variant has been classified as Pathogenic. ClinVar contains an entry for this variant (Variation ID: 1389199). This variant has not been reported in the literature in individuals affected with PAX6-related conditions. This variant is not present in population databases (gnomAD no frequency). This sequence change creates a premature translational stop signal (p.Asn340Thrfs*25) in the PAX6 gene. It is expected to result in an absent or disrupted protein product. Loss-of-function variants in PAX6 are known to be pathogenic (PMID: 12634864).

Literature cited by the submitters: PubMed 12634864.